The following is an entry in ClinVar:

ClinVar aggregate classification (germline): Uncertain significance (1 of 4 stars; one submission).

Conditions:
Clark-Baraitser syndrome. Also called: MENTAL RETARDATION, AUTOSOMAL DOMINANT 49; BARAITSER SYNDROME; Mental retardation, tall stature, obesity, macrocephaly and typical facial features; Intellectual disability, autosomal dominant 49. Identifiers: Orphanet 600731, MedGen C2931130, MONDO:0030914, OMIM 617752.

Submission:

MVZ Medizinische Genetik Mainz
Classification: Uncertain significance for Clark-Baraitser syndrome. Last evaluated: 2023-10-26. Review status: criteria provided, single submitter. Criteria: UK Practice Guidelines For Variant Classification V4 01 2020. Collection method: clinical testing. Allele origin: germline. Inheritance: Autosomal dominant inheritance. Affected: yes. Observed: 1 variant allele.
Comment: ACMG Criteria: PS2_SUP,PM2_SUP,PP2

NM_001348323.3(TRIP12):c.5884C>T (p.His1962Tyr)

Gene: TRIP12 (thyroid hormone receptor interactor 12; minus strand). Cytogenetic location: 2q36.3.
Variant type: single nucleotide variant.
Coding change: c.5884C>T on transcript NM_001348323.3 (MANE Select); coding-DNA position 5884, C replaced by T.
Protein change: p.His1962Tyr; replaces histidine 1962 with tyrosine.
Molecular consequence: missense variant.
Genome position (GRCh38, 1-based): chr2:229,769,250, G>A on the plus strand (C>T on the coding strand, the complement: TRIP12 is on the minus strand). VCF-style: chr2-229769250-G-A. GRCh37 (hg19) VCF-style: chr2-230633966-G-A.
Other names: c.5803C>T, p.His1935Tyr (NM_001284214.2, NM_001348315.2); c.5758C>T, p.His1920Tyr (NM_001284215.2, NM_001348316.2); c.4849C>T, p.His1617Tyr (NM_001284216.2); c.5743C>T, p.His1915Tyr (NM_001348317.1, NM_001348318.2); c.5869C>T, p.His1957Tyr (NM_001348319.1, NM_001348320.2); c.5872C>T, p.His1958Tyr (NM_001348321.1); c.5884C>T, p.His1962Tyr (NM_001348322.1, NM_001348324.2, NM_001348325.2 and 2 more transcripts); c.5887C>T, p.His1963Tyr (NM_001348328.1, NM_001348329.2, NM_001348330.2); and 4 more; short protein forms H1617Y, H1887Y, H1888Y, H1915Y, H1920Y, H1928Y, H1935Y, H1936Y.
Identifiers: ClinVar variation 3236823 (VCV003236823.1), dbSNP rs2469796407.
Genomic context (GRCh38, chr2:229,769,250, plus strand): 5'-CTTCAGAATCAACAGAAAAACTGGCAGACCCCAGTACTTACCTGTCATGAGTATAACCAT[G>A]ATCAGGCCTACAGCATTCCATCAGTGTCTTTGCATCCCAAGTGTCTGCTTTACTGCCACA-3'
Protein context (NP_001335252.1, residues 1952-1972): KTLMECCRPD[His1962Tyr]GYTHDSRAVK